The following is an entry in ClinVar:

NM_020207.7(ERCC6L2):c.647T>C (p.Leu216Ser)

Gene: ERCC6L2 (ERCC excision repair 6 like 2; plus strand). Cytogenetic location: 9q22.32.
Variant type: single nucleotide variant.
Coding change: c.647T>C on transcript NM_020207.7 (MANE Select); coding-DNA position 647, T replaced by C.
Protein change: p.Leu216Ser; replaces leucine 216 with serine.
Molecular consequence: missense variant. On other transcripts: non-coding transcript variant (1).
Genome position (GRCh38, 1-based): chr9:95,907,130, T>C. VCF-style: chr9-95907130-T-C. GRCh37 (hg19) VCF-style: chr9-98669412-T-C.
Other names: c.647T>C, p.Leu216Ser (NM_001010895.4, NM_001375291.1, NM_001375292.1 and 2 more transcripts); short protein forms L216S.
Identifiers: ClinVar variation 2107952 (VCV002107952.5), dbSNP rs1157967787, ClinGen allele CA374120903.

ClinVar aggregate classification (germline): Uncertain significance. Review status: criteria provided, multiple submitters, no conflicts (2 of 4 stars). 2 submissions from 2 submitters: Uncertain significance (2). Last evaluated 2025-10-17.

Conditions:
Inborn genetic diseases. Identifiers: MedGen C0950123, MeSH D030342.

Submissions (2):

Ambry Genetics
Classification: Uncertain significance for Inborn genetic diseases. Last evaluated: 2025-10-17. Review status: criteria provided, single submitter. Criteria: Ambry Variant Classification Scheme 2023. Collection method: clinical testing. Allele origin: germline.
Comment: The p.L216S variant (also known as c.647T>C), located in coding exon 4 of the ERCC6L2 gene, results from a T to C substitution at nucleotide position 647. The leucine at codon 216 is replaced by serine, an amino acid with dissimilar properties. This amino acid position is conserved. In addition, this alteration is predicted to be deleterious by in silico analysis. Based on the available evidence, the clinical significance of this variant remains unclear.

Labcorp Genetics (formerly Invitae), Labcorp
Classification: Uncertain significance. Last evaluated: 2022-08-07. Review status: criteria provided, single submitter. Criteria: Invitae Variant Classification Sherloc (09022015). Collection method: clinical testing. Allele origin: germline.
Comment: In summary, the available evidence is currently insufficient to determine the role of this variant in disease. Therefore, it has been classified as a Variant of Uncertain Significance. Algorithms developed to predict the effect of missense changes on protein structure and function are either unavailable or do not agree on the potential impact of this missense change (SIFT: "Deleterious"; PolyPhen-2: "Not Available"; Align-GVGD: "Class C0"). This variant has not been reported in the literature in individuals affected with ERCC6L2-related conditions. This variant is not present in population databases (gnomAD no frequency). This sequence change replaces leucine, which is neutral and non-polar, with serine, which is neutral and polar, at codon 227 of the ERCC6L2 protein (p.Leu227Ser).